The following is an entry in ClinVar:

ClinVar aggregate classification (germline): Likely pathogenic (1 of 4 stars; one submission).

Conditions:
Methylmalonic aciduria due to complete methylmalonyl-CoA mutase deficiency.

Submission:

Natera, Inc.
Classification: Likely pathogenic for Methylmalonic aciduria due to complete methylmalonyl-CoA mutase deficiency. Last evaluated: 2025-10-07. Review status: criteria provided, single submitter. Criteria: Natera Variant Classification Schema (03/2026). Collection method: clinical testing. Allele origin: germline.
Comment: The c.1897_1900dup variant in MMUT is a frameshift variant predicted to shift the reading frame beginning at codon 634 and leads to a stop codon 8 codons downstream. This variant is expected to result in nonsense mediated decay, truncation, or a dysfunctional protein product. This variant is rare in the general population with a frequency below the threshold expected for the associated phenotype(s). Given the available evidence, this variant is classified as Likely Pathogenic.

NM_000255.4(MMUT):c.1897_1900dup (p.Ile634fs)

Gene: MMUT (methylmalonyl-CoA mutase; minus strand). Cytogenetic location: 6p12.3.
Variant type: Duplication.
Coding change: c.1897_1900dup on transcript NM_000255.4 (MANE Select); coding-DNA positions 1897 to 1900, 4 bases duplicated (GTTA; older notation c.1897_1900dupGTTA).
Protein change: p.Ile634fs; shifts the reading frame from isoleucine 634.
Molecular consequence: frameshift variant.
Genome position (GRCh38, 1-based): chr6:49,440,262-49,440,265, TAAC duplicated on the plus strand (GTTA on the coding strand, the reverse complement: MMUT is on the minus strand); duplicating any 4 consecutive bases within chr6:49,440,262-49,440,266 gives the same sequence; the c. name uses the placement nearest the transcript's 3' end. VCF-style (leftmost placement, unchanged base first): chr6-49440261-A-ATAAC. GRCh37 (hg19) VCF-style: chr6-49407974-A-ATAAC.
Other names: short protein forms I634fs.
Identifiers: ClinVar variation 4817999 (VCV004817999.1).